The following is an entry in ClinVar:

ClinVar aggregate classification (germline): Uncertain significance (1 of 4 stars; one submission).

Allele frequency attached by ClinVar (database versions not stated): TOPMed below 0.00001.
gnomAD v4.1: 5 of 1,614,060 alleles (0.00031%); highest among the groups gnomAD compares: East Asian, 0.0022%; no homozygotes.

Submission:

Labcorp Genetics (formerly Invitae), Labcorp
Classification: Uncertain significance. Last evaluated: 2021-05-18. Review status: criteria provided, single submitter. Criteria: Invitae Variant Classification Sherloc (09022015). Collection method: clinical testing. Allele origin: germline.
Comment: In summary, the available evidence is currently insufficient to determine the role of this variant in disease. Therefore, it has been classified as a Variant of Uncertain Significance. Algorithms developed to predict the effect of missense changes on protein structure and function are either unavailable or do not agree on the potential impact of this missense change (SIFT: "Deleterious"; PolyPhen-2: "Probably Damaging"; Align-GVGD: "Class C0"). This variant has not been reported in the literature in individuals with MME-related conditions. This variant is present in population databases (rs756048894, ExAC 0.01%). This sequence change replaces asparagine with lysine at codon 106 of the MME protein (p.Asn106Lys). The asparagine residue is moderately conserved and there is a moderate physicochemical difference between asparagine and lysine.

NM_007289.4(MME):c.318C>A (p.Asn106Lys)

Gene: MME (membrane metalloendopeptidase; plus strand). Cytogenetic location: 3q25.2.
Variant type: single nucleotide variant.
Coding change: c.318C>A on transcript NM_007289.4 (MANE Select); coding-DNA position 318, C replaced by A.
Protein change: p.Asn106Lys; replaces asparagine 106 with lysine.
Molecular consequence: missense variant.
Genome position (GRCh38, 1-based): chr3:155,115,115, C>A. VCF-style: chr3-155115115-C-A. GRCh37 (hg19) VCF-style: chr3-154832904-C-A.
Other names: c.318C>A, p.Asn106Lys (NM_000902.5, NM_001354642.2, NM_001354643.1 and 2 more transcripts); short protein forms N106K.
Identifiers: ClinVar variation 1492341 (VCV001492341.8), dbSNP rs756048894, ClinGen allele CA2675105.